The following is an entry in ClinVar:

ClinVar aggregate classification (germline): Likely benign. Review status: criteria provided, multiple submitters, no conflicts (2 of 4 stars). 2 submissions from 2 submitters: Likely benign (2). Last evaluated 2024-07-04.

Allele frequency attached by ClinVar (database versions not stated): 1000 Genomes Project 30x 0.00016.
gnomAD v4.1: 128 of 1,613,938 alleles (0.0079%); highest among the groups gnomAD compares: South Asian, 0.053%; no homozygotes.

Submissions (2):

Blueprint Genetics
Classification: Likely benign. Last evaluated: 2024-07-04. Review status: criteria provided, single submitter. Criteria: ACMG Guidelines, 2015. Collection method: clinical testing. Allele origin: germline.

CeGaT Center for Human Genetics Tuebingen
Classification: Likely benign. Last evaluated: 2023-04-01. Review status: criteria provided, single submitter. Criteria: CeGaT Center For Human Genetics Tuebingen Variant Classification Criteria Version 2. Collection method: clinical testing. Allele origin: germline. Affected: yes. Observed: 1 variant allele.
Comment: FLG: BP4, BP7

NM_002016.2(FLG):c.1992C>T (p.His664=)

Genes: CCDST (cervical cancer associated DHX9 suppressive transcript; plus strand), FLG (filaggrin; minus strand). Cytogenetic location: 1q21.3.
Variant type: single nucleotide variant.
Coding change: c.1992C>T on transcript NM_002016.2 (MANE Select); coding-DNA position 1992, C replaced by T.
Protein change: p.His664=; no amino-acid change (histidine 664 retained).
Molecular consequence: synonymous variant.
Genome position (GRCh38, 1-based): chr1:152,312,894, G>A on the plus strand (C>T on the coding strand, the complement: FLG is on the minus strand). VCF-style: chr1-152312894-G-A. GRCh37 (hg19) VCF-style: chr1-152285370-G-A.
Identifiers: ClinVar variation 2639313 (VCV002639313.25), dbSNP rs113652604, ClinGen allele CA1107378.